The following is an entry in ClinVar:

NM_001843.4(CNTN1):c.1070A>C (p.Lys357Thr)

Gene: CNTN1 (contactin 1; plus strand). Cytogenetic location: 12q12.
Variant type: single nucleotide variant.
Coding change: c.1070A>C on transcript NM_001843.4 (MANE Select); coding-DNA position 1070, A replaced by C.
Protein change: p.Lys357Thr; replaces lysine 357 with threonine.
Molecular consequence: missense variant.
Genome position (GRCh38, 1-based): chr12:40,936,865, A>C. VCF-style: chr12-40936865-A-C. GRCh37 (hg19) VCF-style: chr12-41330667-A-C.
Other names: c.1070A>C, p.Lys357Thr (NM_001256063.2, NM_001256064.2); c.1037A>C, p.Lys346Thr (NM_175038.2); short protein forms K346T, K357T.
Identifiers: ClinVar variation 1054628 (VCV001054628.9), dbSNP rs2136929850, ClinGen allele CA384423760.
Genomic context (GRCh38, chr12:40,936,865, plus strand): 5'-TCAATGACACAGAGGTGGACATAGGCAGTGATCTCTACTGGCCTTGTGTGGCCACAGGAA[A>C]GCCCATCCCTACAATCCGATGGTTGAAAAATGGATATGCGGTATGTATGTTCAAGTGCTT-3'
Protein context (NP_001834.2, residues 347-367): DLYWPCVATG[Lys357Thr]PIPTIRWLKN

ClinVar aggregate classification (germline): Uncertain significance (1 of 4 stars; one submission).

Conditions:
Compton-North congenital myopathy (CMYO12). Identifiers: Orphanet 210163, MedGen C2675527, MONDO:0012929, OMIM 612540.

Submission:

Labcorp Genetics (formerly Invitae), Labcorp
Classification: Uncertain significance for Compton-North congenital myopathy. Last evaluated: 2021-01-08. Review status: criteria provided, single submitter. Criteria: Invitae Variant Classification Sherloc (09022015). Collection method: clinical testing. Allele origin: germline.
Comment: This variant has not been reported in the literature in individuals with CNTN1-related conditions. This variant is not present in population databases (ExAC no frequency). This sequence change replaces lysine with threonine at codon 357 of the CNTN1 protein (p.Lys357Thr). The lysine residue is highly conserved and there is a moderate physicochemical difference between lysine and threonine. In summary, the available evidence is currently insufficient to determine the role of this variant in disease. Therefore, it has been classified as a Variant of Uncertain Significance. Advanced modeling of protein sequence and biophysical properties (such as structural, functional, and spatial information, amino acid conservation, physicochemical variation, residue mobility, and thermodynamic stability) performed at Invitae indicates that this missense variant is not expected to disrupt CNTN1 protein function.